The following is an entry in ClinVar:

NM_144573.4(NEXN):c.1819G>C (p.Gly607Arg)

Gene: NEXN (nexilin F-actin binding protein; plus strand). Cytogenetic location: 1p31.1.
Variant type: single nucleotide variant.
Coding change: c.1819G>C on transcript NM_144573.4 (MANE Select); coding-DNA position 1819, G replaced by C.
Protein change: p.Gly607Arg; replaces glycine 607 with arginine.
Molecular consequence: missense variant.
Genome position (GRCh38, 1-based): chr1:77,942,620, G>C. VCF-style: chr1-77942620-G-C. GRCh37 (hg19) VCF-style: chr1-78408305-G-C.
Other names: c.1627G>C, p.Gly543Arg (NM_001172309.2); short protein forms G543R, G607R.
Identifiers: ClinVar variation 3895334 (VCV003895334.1).
Genomic context (GRCh38, chr1:77,942,620, plus strand): 5'-CCTCTTAAAAACACATCAGTTGTAGACAGTGAGCCAGTCAGATTTACGGTTAAAGTAACA[G>C]GAGAACCCAAACCAGAAATTACATGGTGGTTTGAAGGAGAAATACTGCAGGATGGAGAAG-3'
Protein context (NP_653174.3, residues 597-617): EPVRFTVKVT[Gly607Arg]EPKPEITWWF

ClinVar aggregate classification (germline): Uncertain significance (1 of 4 stars; one submission).

Conditions:
Cardiovascular phenotype. Identifiers: MedGen CN230736.

Submission:

Molecular Diagnostic Laboratory for Inherited Cardiovascular Disease, Montreal Heart Institute
Classification: Uncertain significance for Cardiovascular phenotype. Last evaluated: 2025-04-09. Review status: criteria provided, single submitter. Criteria: ACMG Guidelines, 2015. Collection method: clinical testing. Allele origin: germline. Affected: yes.
Comment: PM2, PP3